The following is an entry in ClinVar:

ClinVar aggregate classification (germline): Pathogenic (1 of 4 stars; one submission).

Submission:

Labcorp Genetics (formerly Invitae), Labcorp
Classification: Pathogenic. Last evaluated: 2023-02-14. Review status: criteria provided, single submitter. Criteria: Invitae Variant Classification Sherloc (09022015). Collection method: clinical testing. Allele origin: germline.
Comment: This sequence change creates a premature translational stop signal (p.Pro313Leufs*121) in the CC2D1A gene. It is expected to result in an absent or disrupted protein product. Loss-of-function variants in CC2D1A are known to be pathogenic (PMID: 16033914). This variant is not present in population databases (gnomAD no frequency). This variant has not been reported in the literature in individuals affected with CC2D1A-related conditions. For these reasons, this variant has been classified as Pathogenic.

Literature cited by the submitters: PubMed 16033914.

NM_017721.5(CC2D1A):c.938del (p.Pro313fs)

Gene: CC2D1A (coiled-coil and C2 domain containing 1A; plus strand). Cytogenetic location: 19p13.12.
Variant type: Deletion.
Coding change: c.938del on transcript NM_017721.5 (MANE Select); coding-DNA position 938, one base deleted (C; older notation c.938delC).
Protein change: p.Pro313fs; shifts the reading frame from proline 313.
Molecular consequence: frameshift variant.
Genome position (GRCh38, 1-based): chr19:13,918,568, C deleted; the last of 5 consecutive C bases (chr19:13,918,564-13,918,568); deleting any one gives the same sequence. VCF-style (leftmost placement, unchanged base first): chr19-13918563-GC-G. GRCh37 (hg19) VCF-style: chr19-14029376-GC-G.
Other names: c.938del, p.Pro313fs (NM_001411138.1); short protein forms P313fs.
Identifiers: ClinVar variation 2836963 (VCV002836963.3), dbSNP rs750222217, ClinGen allele CA2739276575.
Genomic context (GRCh38, chr19:13,918,563, plus strand): 5'-GAGCTTTGATGCTGTCTTGGAGGCCCTGAGCCGGGGTGAGCCCGTGGACCTCTCCTGCCT[GC>G]CCCCTCCACCCGGTGAGAACCCTGCCATGCCCACTCTCTGGGATGGTTTCAGGCATACAC-3'